The following is an entry in ClinVar:

NM_138420.4(AHNAK2):c.4589C>T (p.Pro1530Leu)

Gene: AHNAK2 (AHNAK nucleoprotein 2; minus strand). Cytogenetic location: 14q32.33.
Variant type: single nucleotide variant.
Coding change: c.4589C>T on transcript NM_138420.4 (MANE Select); coding-DNA position 4589, C replaced by T.
Protein change: p.Pro1530Leu; replaces proline 1530 with leucine.
Molecular consequence: missense variant.
Genome position (GRCh38, 1-based): chr14:104,950,862, G>A on the plus strand (C>T on the coding strand, the complement: AHNAK2 is on the minus strand). VCF-style: chr14-104950862-G-A. GRCh37 (hg19) VCF-style: chr14-105417199-G-A.
Other names: c.4289C>T, p.Pro1430Leu (NM_001350929.2); short protein forms P1430L, P1530L.
Identifiers: ClinVar variation 2644824 (VCV002644824.24), dbSNP rs201184803, ClinGen allele CA7382344.
Genomic context (GRCh38, chr14:104,950,862, plus strand): 5'-AGGTCAGCAGAAGGGGGCTGTATGCTCAGGTCAGTGGCCTTGAGGTCCCCCTGCATGGAG[G>A]GGAGGCTCACGTCGGCCTCCACCTTCGGCGCAGACACATCCACTGAGGCCTCGATGGACT-3'
Protein context (NP_612429.2, residues 1520-1540): APKVEADVSL[Pro1530Leu]SMQGDLKATD

ClinVar aggregate classification (germline): Benign (1 of 4 stars; one submission).

Allele frequency attached by ClinVar (database versions not stated): ESP Exome Variant Server 0.00042; ExAC 0.00050; 1000 Genomes Project 30x 0.00141.
gnomAD v4.1: 359 of 1,583,792 alleles (0.023%); highest among the groups gnomAD compares: African/African-American, 0.28%; 19 homozygotes.

Submission:

CeGaT Center for Human Genetics Tuebingen
Classification: Benign. Last evaluated: 2024-07-01. Review status: criteria provided, single submitter. Criteria: CeGaT Center For Human Genetics Tuebingen Variant Classification Criteria Version 2. Collection method: clinical testing. Allele origin: germline. Affected: yes. Observed: 2 variant alleles.
Comment: AHNAK2: BS1, BS2